The following is an entry in ClinVar:

ClinVar aggregate classification (germline): Uncertain significance. Review status: criteria provided, multiple submitters, no conflicts (2 of 4 stars). 2 submissions from 2 submitters: Uncertain significance (2). Last evaluated 2025-02-03.

Conditions:
Inborn genetic diseases. Identifiers: MedGen C0950123, MeSH D030342.
Baller-Gerold syndrome (BGS). Also called: CRANIOSYNOSTOSIS WITH RADIAL DEFECTS. Identifiers: Orphanet 1225, MedGen C0265308, MONDO:0009039, OMIM 218600.

Allele frequency attached by ClinVar (database versions not stated): gnomAD exomes 0.00001.
gnomAD v4.1: 8 of 1,612,762 alleles (0.0005%); highest among the groups gnomAD compares: Admixed American, 0.0017%; no homozygotes.

Submissions (2):

Ambry Genetics
Classification: Uncertain significance for Inborn genetic diseases. Last evaluated: 2025-02-03. Review status: criteria provided, single submitter. Criteria: Ambry Variant Classification Scheme 2023. Collection method: clinical testing. Allele origin: germline.
Comment: The p.T449I variant (also known as c.1346C>T), located in coding exon 7 of the RECQL4 gene, results from a C to T substitution at nucleotide position 1346. The threonine at codon 449 is replaced by isoleucine, an amino acid with similar properties. This amino acid position is conserved. In addition, this alteration is predicted to be tolerated by in silico analysis. Based on the available evidence, the clinical significance of this variant remains unclear.

Labcorp Genetics (formerly Invitae), Labcorp
Classification: Uncertain significance for Baller-Gerold syndrome. Last evaluated: 2023-10-04. Review status: criteria provided, single submitter. Criteria: Invitae Variant Classification Sherloc (09022015). Collection method: clinical testing. Allele origin: germline.
Comment: This sequence change replaces threonine, which is neutral and polar, with isoleucine, which is neutral and non-polar, at codon 449 of the RECQL4 protein (p.Thr449Ile). This variant is not present in population databases (gnomAD no frequency). This variant has not been reported in the literature in individuals affected with RECQL4-related conditions. ClinVar contains an entry for this variant (Variation ID: 951319). Advanced modeling of protein sequence and biophysical properties (such as structural, functional, and spatial information, amino acid conservation, physicochemical variation, residue mobility, and thermodynamic stability) performed at Invitae indicates that this missense variant is not expected to disrupt RECQL4 protein function. In summary, the available evidence is currently insufficient to determine the role of this variant in disease. Therefore, it has been classified as a Variant of Uncertain Significance.

NM_004260.4(RECQL4):c.1346C>T (p.Thr449Ile)

Gene: RECQL4 (RecQ like helicase 4; minus strand). Cytogenetic location: 8q24.3.
Variant type: single nucleotide variant.
Coding change: c.1346C>T on transcript NM_004260.4 (MANE Select); coding-DNA position 1346, C replaced by T.
Protein change: p.Thr449Ile; replaces threonine 449 with isoleucine.
Molecular consequence: missense variant.
Genome position (GRCh38, 1-based): chr8:144,515,370, G>A on the plus strand (C>T on the coding strand, the complement: RECQL4 is on the minus strand). VCF-style: chr8-144515370-G-A. GRCh37 (hg19) VCF-style: chr8-145740754-G-A.
Other names: short protein forms T449I.
Identifiers: ClinVar variation 951319 (VCV000951319.7), dbSNP rs1828009684, ClinGen allele CA372685511.